The following is an entry in ClinVar:

ClinVar aggregate classification (germline): Likely benign (0 of 4 stars; one submission).

Conditions:
MYO16-related disorder. Also called: MYO16-related condition.

gnomAD v4.1: 850 of 1,330,504 alleles (0.064%); highest among the groups gnomAD compares: Non-Finnish European, 0.079%; 2 homozygotes.

Submission:

PreventionGenetics, part of Exact Sciences
Classification: Likely benign for MYO16-related condition. Last evaluated: 2019-10-28. Review status: no assertion criteria provided. Collection method: clinical testing. Allele origin: germline.
Comment: This variant is classified as likely benign based on ACMG/AMP sequence variant interpretation guidelines (Richards et al. 2015 PMID: 25741868, with internal and published modifications).

NM_001198950.3(MYO16):c.4818C>G (p.Pro1606=)

Gene: MYO16 (myosin XVI; plus strand). Cytogenetic location: 13q33.3.
Variant type: single nucleotide variant.
Coding change: c.4818C>G on transcript NM_001198950.3 (MANE Select); coding-DNA position 4818, C replaced by G.
Protein change: p.Pro1606=; no amino-acid change (proline 1606 retained).
Molecular consequence: synonymous variant.
Genome position (GRCh38, 1-based): chr13:109,141,030, C>G. VCF-style: chr13-109141030-C-G. GRCh37 (hg19) VCF-style: chr13-109793378-C-G.
Other names: c.4752C>G, p.Pro1584= (NM_015011.3).
Identifiers: ClinVar variation 3039670 (VCV003039670.2), dbSNP rs28664189, ClinGen allele CA7045781.